The following is an entry in ClinVar:

ClinVar aggregate classification (germline): Conflicting classifications of pathogenicity. Review status: criteria provided, conflicting classifications (1 of 4 stars). 2 submissions from 2 submitters: Likely pathogenic (1); Uncertain significance (1). Last evaluated 2022-08-08.

Conditions:
Developmental and epileptic encephalopathy, 42 (DEE42A). Also called: DEVELOPMENTAL AND EPILEPTIC ENCEPHALOPATHY 42A; EPILEPTIC ENCEPHALOPATHY, EARLY INFANTILE, 42A; Epileptic encephalopathy, early infantile, 42. Identifiers: MedGen C4310716, MONDO:0014917, OMIM 617106.
Episodic ataxia type 2 (EA2). Also called: ACETAZOLAMIDE-RESPONSIVE HEREDITARY PAROXYSMAL CEREBELLAR ATAXIA; ATAXIA, EPISODIC, WITH NYSTAGMUS; ATAXIA, FAMILIAL PAROXYSMAL; CEREBELLAR ATAXIA, PAROXYSMAL, ACETAZOLAMIDE-RESPONSIVE; CEREBELLOPATHY, HEREDITARY PAROXYSMAL; EPISODIC ATAXIA, NYSTAGMUS-ASSOCIATED. Identifiers: Orphanet 97, MedGen C1720416, MONDO:0007163, OMIM 108500.

Submissions (2):

MGZ Medical Genetics Center
Classification: Uncertain significance for Developmental and epileptic encephalopathy, 42. Last evaluated: 2022-08-08. Review status: criteria provided, single submitter. Criteria: ACMG Guidelines, 2015. Collection method: clinical testing. Allele origin: germline. Affected: yes. Observed: 1 variant allele.
Comment: ACMG criteria applied: PM1, PM2_SUP, PP2, PP3

Labcorp Genetics (formerly Invitae), Labcorp
Classification: Likely pathogenic for Developmental and epileptic encephalopathy, 42; Episodic ataxia type 2. Last evaluated: 2022-05-12. Review status: criteria provided, single submitter. Criteria: Invitae Variant Classification Sherloc (09022015). Collection method: clinical testing. Allele origin: germline.
Comment: In summary, the currently available evidence indicates that the variant is pathogenic, but additional data are needed to prove that conclusively. Therefore, this variant has been classified as Likely Pathogenic. This variant disrupts the p.Gly230 amino acid residue in CACNA1A. Other variant(s) that disrupt this residue have been determined to be pathogenic (PMID: 31468518). This suggests that this residue is clinically significant, and that variants that disrupt this residue are likely to be disease-causing. Advanced modeling of protein sequence and biophysical properties (such as structural, functional, and spatial information, amino acid conservation, physicochemical variation, residue mobility, and thermodynamic stability) performed at Invitae indicates that this missense variant is expected to disrupt CACNA1A protein function. ClinVar contains an entry for this variant (Variation ID: 476276). This missense change has been observed in individual(s) with clinical features of familial hemiplegic migraine (Invitae). This variant is not present in population databases (gnomAD no frequency). This sequence change replaces glycine, which is neutral and non-polar, with serine, which is neutral and polar, at codon 230 of the CACNA1A protein (p.Gly230Ser).

Literature cited by the submitters: PubMed 31468518 (cited by Labcorp Genetics (formerly Invitae), Labcorp).

NM_001127222.2(CACNA1A):c.688G>A (p.Gly230Ser)

Gene: CACNA1A (calcium voltage-gated channel subunit alpha1 A; minus strand). Cytogenetic location: 19p13.13.
Variant type: single nucleotide variant.
Coding change: c.688G>A on transcript NM_001127222.2 (MANE Select); coding-DNA position 688, G replaced by A.
Protein change: p.Gly230Ser; replaces glycine 230 with serine.
Molecular consequence: missense variant.
Genome position (GRCh38, 1-based): chr19:13,365,413, C>T on the plus strand (G>A on the coding strand, the complement: CACNA1A is on the minus strand). VCF-style: chr19-13365413-C-T. GRCh37 (hg19) VCF-style: chr19-13476227-C-T.
Other names: c.688G>A, p.Gly230Ser (NM_000068.4, NM_001127221.2, NM_001174080.2 and 1 more transcripts); short protein forms G230S.
Identifiers: ClinVar variation 476276 (VCV000476276.13), dbSNP rs1555774859, ClinGen allele CA404348567.